The following is an entry in ClinVar:

ClinVar aggregate classification (germline): Uncertain significance. Review status: criteria provided, multiple submitters, no conflicts (2 of 4 stars). 4 submissions from 4 submitters: Uncertain significance (2). 2 of the submissions do not count toward it. Last evaluated 2021-10-28.

Allele frequency attached by ClinVar (database versions not stated): TOPMed 0.00002; gnomAD 0.00003; gnomAD exomes 0.00003.
gnomAD v4.1: 35 of 1,613,866 alleles (0.0022%); highest among the groups gnomAD compares: Non-Finnish European, 0.0028%; no homozygotes.

Submissions (4):

Labcorp Genetics (formerly Invitae), Labcorp
Classification: Uncertain significance. Last evaluated: 2021-10-28. Review status: criteria provided, single submitter. Criteria: Invitae Variant Classification Sherloc (09022015). Collection method: clinical testing. Allele origin: germline.
Comment: This sequence change replaces proline, which is neutral and non-polar, with serine, which is neutral and polar, at codon 4537 of the USH2A protein (p.Pro4537Ser). This variant is present in population databases (no rsID available, gnomAD 0.007%). This variant has not been reported in the literature in individuals affected with USH2A-related conditions. Algorithms developed to predict the effect of missense changes on protein structure and function (SIFT, PolyPhen-2, Align-GVGD) all suggest that this variant is likely to be disruptive. In summary, the available evidence is currently insufficient to determine the role of this variant in disease. Therefore, it has been classified as a Variant of Uncertain Significance.

Blueprint Genetics
Classification: Uncertain significance. Last evaluated: 2018-12-30. Review status: criteria provided, single submitter. Criteria: ACMG Guidelines, 2015. Collection method: clinical testing. Allele origin: germline.

Clinical Genetics, Academic Medical Center
Classification: Uncertain significance. Review status: no assertion criteria provided. Collection method: clinical testing. Allele origin: germline. Affected: yes. Study: VKGL Data-share Consensus. Not counted in ClinVar's aggregate classification.

Joint Genome Diagnostic Labs from Nijmegen and Maastricht, Radboudumc and MUMC+
Classification: Uncertain significance. Review status: no assertion criteria provided. Collection method: clinical testing. Allele origin: germline. Affected: yes. Study: VKGL Data-share Consensus. Not counted in ClinVar's aggregate classification.

NM_206933.4(USH2A):c.13609C>T (p.Pro4537Ser)

Gene: USH2A (usherin; minus strand). Cytogenetic location: 1q41.
Variant type: single nucleotide variant.
Coding change: c.13609C>T on transcript NM_206933.4 (MANE Select); coding-DNA position 13609, C replaced by T.
Protein change: p.Pro4537Ser; replaces proline 4537 with serine.
Molecular consequence: missense variant.
Genome position (GRCh38, 1-based): chr1:215,674,302, G>A on the plus strand (C>T on the coding strand, the complement: USH2A is on the minus strand). VCF-style: chr1-215674302-G-A. GRCh37 (hg19) VCF-style: chr1-215847644-G-A.
Other names: short protein forms P4537S.
Identifiers: ClinVar variation 1284375 (VCV001284375.8), dbSNP rs1435495561, ClinGen allele CA344844326.
Genomic context (GRCh38, chr1:215,674,302, plus strand): 5'-TCACTGGAGGGTCCCAGTTCACTAAGATCTCCTGAGGACCCCTGGCCTGCAATTTTGGAG[G>A]TTCCATCCCTGAGGGTGCTGAGGGGCTGGTTCGATCTTTGACAAGAGGACTCAAAATACC-3'
Protein context (NP_996816.3, residues 4527-4547): TSPSAPSGME[Pro4537Ser]PKLQARGPQE